The following is an entry in ClinVar:

ClinVar aggregate classification (germline): Uncertain significance (1 of 4 stars; one submission).

Conditions:
Melnick-Needles syndrome (MNS). Also called: MELNICK-NEEDLES OSTEODYSPLASTY; Melnick-Needles Syndrome (FLNA-MNS); OSTEODYSPLASTY OF MELNICK AND NEEDLES. Identifiers: Orphanet 2484, MedGen C0025237, MONDO:0010650, OMIM 309350.
Frontometaphyseal dysplasia (FMD1). Identifiers: Orphanet 1826, MedGen C0265293, MONDO:0015942.
Heterotopia, periventricular, X-linked dominant (PVNH1). Also called: PERIVENTRICULAR NODULAR HETEROTOPIA 1; X-linked periventricular heterotopia; PERIVENTRICULAR NODULAR HETEROTOPIA 4; HETEROTOPIA, PERIVENTRICULAR, 1. Identifiers: Orphanet 2149, Orphanet 82004, MedGen C1848213, MONDO:0010233, OMIM 300049.
Oto-palato-digital syndrome, type II (OPD2). Also called: FACIOPALATOOSSEOUS SYNDROME; Otopalatodigital Syndrome Type 2 (FLNA-OPD2); OPD II SYNDROME; Otopalatodigital Syndrome, Type II. Identifiers: Orphanet 669, Orphanet 90652, MedGen C1844696, MONDO:0010571, OMIM 304120.

Submission:

Labcorp Genetics (formerly Invitae), Labcorp
Classification: Uncertain significance for Oto-palato-digital syndrome, type II; Heterotopia, periventricular, X-linked dominant; Frontometaphyseal dysplasia; Melnick-Needles syndrome. Last evaluated: 2022-07-12. Review status: criteria provided, single submitter. Criteria: Invitae Variant Classification Sherloc (09022015). Collection method: clinical testing. Allele origin: germline.
Comment: In summary, the available evidence is currently insufficient to determine the role of this variant in disease. Therefore, it has been classified as a Variant of Uncertain Significance. Algorithms developed to predict the effect of sequence changes on RNA splicing suggest that this variant may disrupt the consensus splice site. ClinVar contains an entry for this variant (Variation ID: 1431977). This variant has not been reported in the literature in individuals affected with FLNA-related conditions. This variant is not present in population databases (gnomAD no frequency). This sequence change falls in intron 25 of the FLNA gene. It does not directly change the encoded amino acid sequence of the FLNA protein.

NM_001110556.2(FLNA):c.4304-8A>G

Gene: FLNA (filamin A; minus strand). Cytogenetic location: Xq28.
Variant type: single nucleotide variant.
Coding change: c.4304-8A>G on transcript NM_001110556.2 (MANE Select); 8 bases into the intron before coding-DNA position 4304, A replaced by G.
Molecular consequence: intron variant.
Genome position (GRCh38, 1-based): chrX:154,359,162, T>C on the plus strand (A>G on the coding strand, the complement: FLNA is on the minus strand). VCF-style: chrX-154359162-T-C. GRCh37 (hg19) VCF-style: chrX-153587530-T-C.
Other names: c.4304-8A>G (NM_001456.4).
Identifiers: ClinVar variation 1431977 (VCV001431977.6), dbSNP rs2148111094, ClinGen allele CA2573159412.